The following is an entry in ClinVar:

ClinVar aggregate classification (germline): Uncertain significance (1 of 4 stars; one submission).

gnomAD v4.1: 9 of 1,522,544 alleles (0.00059%); highest among the groups gnomAD compares: African/African-American, 0.011%; no homozygotes.

Submission:

Mayo Clinic Laboratories, Mayo Clinic
Classification: Uncertain significance. Last evaluated: 2025-04-15. Review status: criteria provided, single submitter. Criteria: ACMG Guidelines, 2015. Collection method: clinical testing. Allele origin: germline. Observed: 1 variant allele.
Comment: BS2

NM_018896.5(CACNA1G):c.5775C>G (p.His1925Gln)

Gene: CACNA1G (calcium voltage-gated channel subunit alpha1 G; plus strand). Cytogenetic location: 17q21.33.
Variant type: single nucleotide variant.
Coding change: c.5775C>G on transcript NM_018896.5 (MANE Select); coding-DNA position 5775, C replaced by G.
Protein change: p.His1925Gln; replaces histidine 1925 with glutamine.
Molecular consequence: missense variant. On other transcripts: non-coding transcript variant (5).
Genome position (GRCh38, 1-based): chr17:50,619,002, C>G. VCF-style: chr17-50619002-C-G. GRCh37 (hg19) VCF-style: chr17-48696363-C-G.
Other names: p.His1925Gln; c.5721C>G, p.His1907Gln (NM_001256324.2, NM_198386.3); c.5796C>G, p.His1932Gln (NM_001256325.2); c.5640C>G, p.His1880Gln (NM_001256326.2, NM_001256330.2); c.5754C>G, p.His1918Gln (NM_001256327.2); c.5700C>G, p.His1900Gln (NM_001256328.2); c.5673C>G, p.His1891Gln (NM_001256329.2, NM_198387.3, NM_198396.3 and 2 more transcripts); c.5619C>G, p.His1873Gln (NM_001256331.2); and 8 more; short protein forms H1891Q, H1925Q, H1873Q, H1900Q, H1902Q, H1907Q, H1887Q, H1898Q.
Identifiers: ClinVar variation 4542201 (VCV004542201.1).
Genomic context (GRCh38, chr17:50,619,002, plus strand): 5'-GCCTGGGGCTCTGCACCCAGCGGCCCACGCGAGATCAGCCTCCCACTTTTCCCTGGAGCA[C>G]CCCACGGTGAGCAGACACCCACCCCAGCCGTGAGAGGAGCTGGGGCAGGAGAAGGGTGTG-3'
Protein context (NP_061496.2, residues 1915-1935): ARSASHFSLE[His1925Gln]PTDRQLFDTI